The following is an entry in ClinVar:

ClinVar aggregate classification (germline): Benign/Likely benign. Review status: criteria provided, multiple submitters, no conflicts (2 of 4 stars). 2 submissions from 2 submitters: Benign (1); Likely benign (1). Last evaluated 2024-09-18.

Conditions:
Hereditary cancer-predisposing syndrome. Also called: Tumor predisposition; Hereditary Cancer Syndrome; Hereditary neoplastic syndrome; Neoplastic Syndromes, Hereditary. Identifiers: Orphanet 140162, MedGen C0027672, MeSH D009386, MONDO:0015356.
Hereditary diffuse gastric adenocarcinoma (HDGC). Also called: DIFFUSE GASTRIC AND LOBULAR BREAST CANCER SYNDROME. Identifiers: Orphanet 26106, MedGen C1708349, MONDO:0007648, OMIM 137215.

Allele frequency attached by ClinVar (database versions not stated): TOPMed below 0.00001.

Submissions (2):

Myriad Genetics, Inc.
Classification: Benign for Hereditary diffuse gastric adenocarcinoma. Last evaluated: 2024-09-18. Review status: criteria provided, single submitter. Criteria: Myriad Autosomal Dominant, Autosomal Recessive and X-Linked Classification Criteria (2023). Collection method: clinical testing. Allele origin: unknown.
Comment: This variant is considered benign. This variant is a silent/synonymous amino acid change and it is not expected to impact splicing.

Ambry Genetics
Classification: Likely benign for Hereditary cancer-predisposing syndrome. Last evaluated: 2014-03-04. Review status: criteria provided, single submitter. Criteria: Ambry Autosomal Dominant and X-Linked criteria (10/2015). Collection method: clinical testing. Allele origin: germline. Observed: 1 variant allele.

NM_004360.5(CDH1):c.1200T>C (p.Asp400=)

Gene: CDH1 (cadherin 1; plus strand). Cytogenetic location: 16q22.1.
Variant type: single nucleotide variant.
Coding change: c.1200T>C on transcript NM_004360.5 (MANE Select); coding-DNA position 1200, T replaced by C.
Protein change: p.Asp400=; no amino-acid change (aspartic acid 400 retained).
Molecular consequence: synonymous variant. On other transcripts: 5 prime UTR variant (2), intron variant (1).
Genome position (GRCh38, 1-based): chr16:68,813,375, T>C. VCF-style: chr16-68813375-T-C. GRCh37 (hg19) VCF-style: chr16-68847278-T-C.
Other names: c.1200T>C (LRG_301t1); c.-416T>C (NM_001317185.2); c.-620T>C (NM_001317186.2); c.1137+1112T>C (NM_001317184.2).
Identifiers: ClinVar variation 184772 (VCV000184772.4), dbSNP rs786201680, ClinGen allele CA190010.